The following is an entry in ClinVar:

NM_017763.6(RNF43):c.300G>T (p.Glu100Asp)

Gene: RNF43 (ring finger protein 43; minus strand). Cytogenetic location: 17q22.
Variant type: single nucleotide variant.
Coding change: c.300G>T on transcript NM_017763.6 (MANE Select); coding-DNA position 300, G replaced by T.
Protein change: p.Glu100Asp; replaces glutamic acid 100 with aspartic acid.
Molecular consequence: missense variant.
Genome position (GRCh38, 1-based): chr17:58,370,986, C>A on the plus strand (G>T on the coding strand, the complement: RNF43 is on the minus strand). VCF-style: chr17-58370986-C-A. GRCh37 (hg19) VCF-style: chr17-56448347-C-A.
Other names: c.300G>T, p.Glu100Asp (NM_001305544.3); c.-82G>T (NM_001305545.2); short protein forms E100D.
Identifiers: ClinVar variation 1482625 (VCV001482625.8), dbSNP rs2143515431, ClinGen allele CA400343951.
Genomic context (GRCh38, chr17:58,370,986, plus strand): 5'-CAGGCAGGGGCGGGGGGCCCGTCGAGGACTCTCCAGCTTGACGATGCTGATGAATCCAGG[C>A]TCCAGATTGTCGTCATCACTGGCATTGCACAGGTACAGCGGGTGGGACTGCAGAGAGAGA-3'
Protein context (NP_060233.3, residues 90-110): LCNASDDDNL[Glu100Asp]PGFISIVKLE

ClinVar aggregate classification (germline): Uncertain significance (1 of 4 stars; one submission).

Submission:

Labcorp Genetics (formerly Invitae), Labcorp
Classification: Uncertain significance. Last evaluated: 2021-07-17. Review status: criteria provided, single submitter. Criteria: Invitae Variant Classification Sherloc (09022015). Collection method: clinical testing. Allele origin: germline.
Comment: In summary, the available evidence is currently insufficient to determine the role of this variant in disease. Therefore, it has been classified as a Variant of Uncertain Significance. Algorithms developed to predict the effect of missense changes on protein structure and function (SIFT, PolyPhen-2, Align-GVGD) all suggest that this variant is likely to be tolerated. This variant has not been reported in the literature in individuals affected with RNF43-related conditions. This variant is not present in population databases (ExAC no frequency). This sequence change replaces glutamic acid with aspartic acid at codon 100 of the RNF43 protein (p.Glu100Asp). The glutamic acid residue is moderately conserved and there is a small physicochemical difference between glutamic acid and aspartic acid.